The following is an entry in ClinVar:

NM_020884.7(MYH7B):c.1347C>T (p.Thr449=)

Gene: MYH7B (myosin heavy chain 7B; plus strand). Cytogenetic location: 20q11.22.
Variant type: single nucleotide variant.
Coding change: c.1347C>T on transcript NM_020884.7 (MANE Select); coding-DNA position 1347, C replaced by T.
Protein change: p.Thr449=; no amino-acid change (threonine 449 retained).
Molecular consequence: synonymous variant.
Genome position (GRCh38, 1-based): chr20:34,987,845, C>T. VCF-style: chr20-34987845-C-T. GRCh37 (hg19) VCF-style: chr20-33575648-C-T.
Identifiers: ClinVar variation 728483 (VCV000728483.11), dbSNP rs190201202, ClinGen allele CA9826905.

ClinVar aggregate classification (germline): Benign/Likely benign. Review status: criteria provided, multiple submitters, no conflicts (2 of 4 stars). 3 submissions from 3 submitters: Benign (2); Likely benign (1). Last evaluated 2026-01-24.

Conditions:
MYH7B-related disorder. Also called: MYH7B-related condition.

Allele frequency attached by ClinVar (database versions not stated): gnomAD exomes 0.00022 and 0.00055; ExAC 0.00066; 1000 Genomes Project 0.00160; 1000 Genomes Project 30x 0.00172; gnomAD 0.00198 and 0.00217; ESP Exome Variant Server 0.00209; TOPMed 0.00229.
gnomAD v4.1: 645 of 1,613,404 alleles (0.04%); highest among the groups gnomAD compares: African/African-American, 0.67%; 2 homozygotes.

Submissions (3):

Labcorp Genetics (formerly Invitae), Labcorp
Classification: Benign. Last evaluated: 2026-01-24. Review status: criteria provided, single submitter. Criteria: Invitae Variant Classification Sherloc (09022015). Collection method: clinical testing. Allele origin: germline.

PreventionGenetics, part of Exact Sciences
Classification: Likely benign for MYH7B-related condition. Last evaluated: 2024-12-19. Review status: criteria provided, single submitter. Criteria: ACMG Guidelines, 2015. Collection method: clinical testing. Allele origin: germline.
Comment: This variant is classified as likely benign based on ACMG/AMP sequence variant interpretation guidelines (Richards et al. 2015 PMID: 25741868, with internal and published modifications).

Breakthrough Genomics
Classification: Benign. Review status: criteria provided, single submitter. Criteria: ACMG Guidelines, 2015. Collection method: not provided. Allele origin: germline. Inheritance: Unknown mechanism. Affected: yes.